The following is an entry in ClinVar:

ClinVar aggregate classification (germline): Likely benign. Review status: criteria provided, multiple submitters, no conflicts (2 of 4 stars). 3 submissions from 3 submitters: Likely benign (3). Last evaluated 2025-02-19.

Conditions:
Breast-ovarian cancer, familial, susceptibility to, 3. Also called: RAD51C-Related Breast/Ovarian Cancer. Identifiers: Orphanet 145, MedGen C3150659, MONDO:0013253, OMIM 613399.
Fanconi anemia complementation group O. Also called: RAD51C-Related Fanconi Anemia. Identifiers: Orphanet 84, MedGen C3150653, MONDO:0013248, OMIM 613390.

Submissions (3):

Myriad Genetics, Inc.
Classification: Likely benign for Breast-ovarian cancer, familial, susceptibility to, 3. Last evaluated: 2025-02-19. Review status: criteria provided, single submitter. Criteria: Myriad Autosomal Dominant, Autosomal Recessive and X-Linked Classification Criteria (2023). Collection method: clinical testing. Allele origin: unknown.
Comment: This variant is considered likely benign. This variant is intronic and is not expected to impact mRNA splicing.

Labcorp Genetics (formerly Invitae), Labcorp
Classification: Likely benign for Fanconi anemia complementation group O. Last evaluated: 2025-01-29. Review status: criteria provided, single submitter. Criteria: Invitae Variant Classification Sherloc (09022015). Collection method: clinical testing. Allele origin: germline.

GeneDx
Classification: Likely benign. Last evaluated: 2016-10-05. Review status: criteria provided, single submitter. Criteria: GeneDx Variant Classification (06012015). Collection method: clinical testing. Allele origin: germline. Affected: yes.
Comment: This variant is considered likely benign or benign based on one or more of the following criteria: it is a conservative change, it occurs at a poorly conserved position in the protein, it is predicted to be benign by multiple in silico algorithms, and/or has population frequency not consistent with disease.

NM_058216.3(RAD51C):c.1027-16A>G

Gene: RAD51C (RAD51 paralog C; plus strand). Cytogenetic location: 17q22.
Variant type: single nucleotide variant.
Coding change: c.1027-16A>G on transcript NM_058216.3 (MANE Select); 16 bases into the intron before coding-DNA position 1027, A replaced by G.
Molecular consequence: intron variant.
Genome position (GRCh38, 1-based): chr17:58,734,102, A>G. VCF-style: chr17-58734102-A-G. GRCh37 (hg19) VCF-style: chr17-56811463-A-G.
Other names: c.1027-16A>G (LRG_314t1).
Identifiers: ClinVar variation 389934 (VCV000389934.6), dbSNP rs1057523589, ClinGen allele CA16607729.
Genomic context (GRCh38, chr17:58,734,102, plus strand): 5'-TTACTTAAAAATATTTCTAAGATCAGTCTTCAAATGTTCTTAAAGCATATTTGTATATAT[A>G]TTTTTTATCTTTCAGCCTCAGGGATTTAGAGATACTGTTGTTACTTCTGCATGTTCATTG-3'